The following is an entry in ClinVar:

ClinVar aggregate classification (germline): Uncertain significance (1 of 4 stars; one submission).

Submission:

Labcorp Genetics (formerly Invitae), Labcorp
Classification: Uncertain significance. Last evaluated: 2022-04-18. Review status: criteria provided, single submitter. Criteria: Invitae Variant Classification Sherloc (09022015). Collection method: clinical testing. Allele origin: germline.
Comment: In summary, the available evidence is currently insufficient to determine the role of this variant in disease. Therefore, it has been classified as a Variant of Uncertain Significance. Algorithms developed to predict the effect of missense changes on protein structure and function output the following: SIFT: "Tolerated"; PolyPhen-2: "Benign"; Align-GVGD: "Class C0". The methionine amino acid residue is found in multiple mammalian species, which suggests that this missense change does not adversely affect protein function. This variant has not been reported in the literature in individuals affected with NLRP1-related conditions. This variant is not present in population databases (gnomAD no frequency). This sequence change replaces leucine, which is neutral and non-polar, with methionine, which is neutral and non-polar, at codon 1215 of the NLRP1 protein (p.Leu1215Met).

NM_033004.4(NLRP1):c.3643T>A (p.Leu1215Met)

Gene: NLRP1 (NLR family pyrin domain containing 1; minus strand). Cytogenetic location: 17p13.2.
Variant type: single nucleotide variant.
Coding change: c.3643T>A on transcript NM_033004.4 (MANE Select); coding-DNA position 3643, T replaced by A.
Protein change: p.Leu1215Met; replaces leucine 1215 with methionine.
Molecular consequence: missense variant.
Genome position (GRCh38, 1-based): chr17:5,521,664, A>T on the plus strand (T>A on the coding strand, the complement: NLRP1 is on the minus strand). VCF-style: chr17-5521664-A-T. GRCh37 (hg19) VCF-style: chr17-5424984-A-T.
Other names: c.3655T>A, p.Leu1219Met (NM_001033053.3); c.3643T>A, p.Leu1215Met (NM_014922.5); c.3553T>A, p.Leu1185Met (NM_033006.4, NM_033007.4); short protein forms L1185M, L1219M, L1215M.
Identifiers: ClinVar variation 2127765 (VCV002127765.4), dbSNP rs2507732620, ClinGen allele CA397389244.
Genomic context (GRCh38, chr17:5,521,664, plus strand): 5'-CCACAGAGGTGACGGGAATGAAGCGCAGGGCATTATGGATCATTTTCAGGAGGACTCCCA[A>T]GGGGGAGAAGCTGGGGTTTTCCAGAACTATGTGATGCAGCTCCACCCTGGCTGGCTTCTC-3'
Protein context (NP_127497.1, residues 1205-1225): IVLENPSFSP[Leu1215Met]GVLLKMIHNA